The following is an entry in ClinVar:

ClinVar aggregate classification (germline): Uncertain significance (1 of 4 stars; one submission).

gnomAD v4.1: 1 of 157,066 alleles (0.00064%); highest among the groups gnomAD compares: African/African-American, 0.0024%; no homozygotes.

Submission:

CeGaT Center for Human Genetics Tuebingen
Classification: Uncertain significance. Last evaluated: 2024-09-01. Review status: criteria provided, single submitter. Criteria: CeGaT Center For Human Genetics Tuebingen Variant Classification Criteria Version 2. Collection method: clinical testing. Allele origin: germline. Affected: yes. Observed: 1 variant allele.
Comment: TUBB4A: PM2

NM_001289129.2(TUBB4A):c.-53G>T

Gene: TUBB4A (tubulin beta 4A class IVa; minus strand). Cytogenetic location: 19p13.3.
Variant type: single nucleotide variant.
Coding change: c.-53G>T on transcript NM_001289129.2; 53 bases upstream of the start codon, G replaced by T.
Molecular consequence: 5 prime UTR variant. On other transcripts: nonsense (2).
Genome position (GRCh38, 1-based): chr19:6,502,681, C>A on the plus strand (G>T on the coding strand, the complement: TUBB4A is on the minus strand). VCF-style: chr19-6502681-C-A. GRCh37 (hg19) VCF-style: chr19-6502692-C-A.
Other names: c.31G>T, p.Glu11Ter (NM_001289123.2, NM_001289127.2); short protein forms E11*.
Identifiers: ClinVar variation 3389554 (VCV003389554.14).